The following is an entry in ClinVar:

NM_000059.4(BRCA2):c.2788dup (p.Tyr930fs)

Gene: BRCA2 (BRCA2 DNA repair associated; plus strand). Cytogenetic location: 13q13.1.
Variant type: Duplication.
Coding change: c.2788dup on transcript NM_000059.4 (MANE Select); coding-DNA position 2788, one base duplicated (T; older notation c.2788dupT).
Protein change: p.Tyr930fs; shifts the reading frame from tyrosine 930.
Molecular consequence: frameshift variant. On other transcripts: non-coding transcript variant (1), intron variant (2).
Genome position (GRCh38, 1-based): chr13:32,337,143, T duplicated. VCF-style (leftmost placement, unchanged base first): chr13-32337142-A-AT. GRCh37 (hg19) VCF-style: chr13-32911279-A-AT.
Other names: c.2788dup, p.Tyr930fs (NM_001406719.1, NM_001406720.1, NM_001432077.1); c.1909+3756dup (NM_001406721.1); c.424+6113dup (NM_001406722.1); short protein forms Y930fs.
Identifiers: ClinVar variation 4734174 (VCV004734174.1).

ClinVar aggregate classification (germline): Pathogenic (1 of 4 stars; one submission).

Conditions:
Hereditary breast ovarian cancer syndrome. Also called: BRCA1- and BRCA2-Associated Hereditary Breast and Ovarian Cancer; Breast and ovarian cancer; Hereditary breast and ovarian cancer; Hereditary breast and ovarian cancer syndrome (HBOC); Hereditary breast and ovarian cancer syndrome; Hereditary breast and/or ovarian cancer syndrome. Identifiers: Orphanet 145, MedGen C0677776, MeSH D061325, MONDO:0003582. Disease mechanism: loss of function.

Submission:

Labcorp Genetics (formerly Invitae), Labcorp
Classification: Pathogenic for Hereditary breast ovarian cancer syndrome. Last evaluated: 2025-12-26. Review status: criteria provided, single submitter. Criteria: Invitae Variant Classification Sherloc (09022015). Collection method: clinical testing. Allele origin: germline.
Comment: This sequence change creates a premature translational stop signal (p.Tyr930Leufs*6) in the BRCA2 gene. It is expected to result in an absent or disrupted protein product. Loss-of-function variants in BRCA2 are known to be pathogenic (PMID: 20104584). This variant is not present in population databases (gnomAD no frequency). This variant has not been reported in the literature in individuals affected with BRCA2-related conditions. For these reasons, this variant has been classified as Pathogenic.

Literature cited by the submitters: PubMed 20104584.